The following is an entry in ClinVar:

NM_001018115.3(FANCD2):c.1170C>T (p.Ser390=)

Genes: FANCD2 (FA complementation group D2; plus strand), LOC107303338 (3p25 FANCD2 Alu-mediated recombination region; plus strand). Cytogenetic location: 3p25.3.
Variant type: single nucleotide variant.
Coding change: c.1170C>T on transcript NM_001018115.3 (MANE Select); coding-DNA position 1170, C replaced by T.
Protein change: p.Ser390=; no amino-acid change (serine 390 retained).
Molecular consequence: synonymous variant.
Genome position (GRCh38, 1-based): chr3:10,046,615, C>T. VCF-style: chr3-10046615-C-T. GRCh37 (hg19) VCF-style: chr3-10088299-C-T.
Other names: NP_001018125.1:p.Ser390=; c.1170C>T, p.Ser390= (NM_001319984.2, NM_001374253.1, NM_001374254.1 and 1 more transcripts).
Identifiers: ClinVar variation 342261 (VCV000342261.25), dbSNP rs112887807, ClinGen allele CA2249538.

ClinVar aggregate classification (germline): Benign/Likely benign. Review status: criteria provided, multiple submitters, no conflicts (2 of 4 stars). 7 submissions from 7 submitters: Benign (3); Likely benign (4). Last evaluated 2026-03-23.

Conditions:
Hereditary breast ovarian cancer syndrome. Also called: Hereditary breast and/or ovarian cancer syndrome; Hereditary breast and ovarian cancer syndrome (HBOC); Breast and ovarian cancer; BRCA1- and BRCA2-Associated Hereditary Breast and Ovarian Cancer; Hereditary breast and ovarian cancer; Hereditary breast and ovarian cancer syndrome. Identifiers: Orphanet 145, MedGen C0677776, MeSH D061325, MONDO:0003582. Disease mechanism: loss of function.
Fanconi anemia (FA). Also called: Fanconi's anemia. Identifiers: Orphanet 84, MedGen C0015625, MeSH D005199, MONDO:0019391.
Fanconi anemia complementation group D2. Also called: FANCD2-Related Fanconi Anemia; FANCONI PANCYTOPENIA, TYPE 4; FANCONI ANEMIA, COMPLEMENTATION GROUP D. Identifiers: Orphanet 84, MedGen C3160738, MONDO:0009214, OMIM 227646.

Allele frequency attached by ClinVar (database versions not stated): ExAC 0.43038; 1000 Genomes Project 30x 0.44332.

Submissions (7):

Women's Health and Genetics/Laboratory Corporation of America, LabCorp
Classification: Likely benign. Last evaluated: 2026-03-23. Review status: criteria provided, single submitter. Criteria: LabCorp Variant Classification Summary - May 2015. Collection method: clinical testing. Allele origin: germline.

ARUP Laboratories, Molecular Genetics and Genomics, ARUP Laboratories
Classification: Benign for Fanconi anemia complementation group D2. Last evaluated: 2025-07-14. Review status: criteria provided, single submitter. Criteria: ARUP Molecular Germline Variant Investigation Process 2024. Collection method: clinical testing. Allele origin: germline.

Blueprint Genetics
Classification: Likely benign. Last evaluated: 2024-11-26. Review status: criteria provided, single submitter. Criteria: ACMG Guidelines, 2015. Collection method: clinical testing. Allele origin: germline.

National Health Laboratory Service, Universitas Academic Hospital and University of the Free State
Classification: Benign for Hereditary breast ovarian cancer syndrome. Last evaluated: 2022-04-19. Review status: criteria provided, single submitter. Criteria: ACMG Guidelines, 2015. Collection method: clinical testing. Allele origin: germline. Affected: yes. Observed: 4 variant alleles.

Illumina Laboratory Services, Illumina
Classification: Benign for Fanconi anemia complementation group D2. Last evaluated: 2018-01-13. Review status: criteria provided, single submitter. Criteria: ICSL Variant Classification Criteria 13 December 2019. Collection method: clinical testing. Allele origin: germline.
Comment: This variant was observed in the ICSL laboratory as part of a predisposition screen in an ostensibly healthy population. It had not been previously curated by ICSL or reported in the Human Gene Mutation Database (HGMD: prior to June 1st, 2018), and was therefore a candidate for classification through an automated scoring system. Utilizing variant allele frequency, disease prevalence and penetrance estimates, and inheritance mode, an automated score was calculated to assess if this variant is too frequent to cause the disease. Based on the score and internal cut-off values, a variant classified as benign is not then subjected to further curation. The score for this variant resulted in a classification of benign for this disease.

Labcorp Genetics (formerly Invitae), Labcorp
Classification: Likely benign for Fanconi anemia. Last evaluated: 2017-08-02. Review status: criteria provided, single submitter. Criteria: Invitae Variant Classification Sherloc (09022015). Collection method: clinical testing. Allele origin: germline.

Breakthrough Genomics
Classification: Likely benign. Review status: criteria provided, single submitter. Criteria: ACMG Guidelines, 2015. Collection method: not provided. Allele origin: germline. Inheritance: Autosomal recessive inheritance. Affected: yes.